The following is an entry in ClinVar:

ClinVar aggregate classification (germline): Uncertain significance (1 of 4 stars; one submission).

Conditions:
Cardiovascular phenotype. Identifiers: MedGen CN230736.

Submission:

Ambry Genetics
Classification: Uncertain significance for Cardiovascular phenotype. Last evaluated: 2025-08-18. Review status: criteria provided, single submitter. Criteria: Ambry Variant Classification Scheme 2023. Collection method: clinical testing. Allele origin: germline.
Comment: The p.D123E variant (also known as c.369C>A), located in coding exon 1 of the KCNJ5 gene, results from a C to A substitution at nucleotide position 369. The aspartic acid at codon 123 is replaced by glutamic acid, an amino acid with highly similar properties. This amino acid position is well conserved in available vertebrate species. In addition, this alteration is predicted to be tolerated by in silico analysis. Based on the available evidence, the clinical significance of this variant remains unclear.

NM_000890.5(KCNJ5):c.369C>A (p.Asp123Glu)

Gene: KCNJ5 (potassium inwardly rectifying channel subfamily J member 5; plus strand). Cytogenetic location: 11q24.3.
Variant type: single nucleotide variant.
Coding change: c.369C>A on transcript NM_000890.5 (MANE Select); coding-DNA position 369, C replaced by A.
Protein change: p.Asp123Glu; replaces aspartic acid 123 with glutamic acid.
Molecular consequence: missense variant.
Genome position (GRCh38, 1-based): chr11:128,911,642, C>A. VCF-style: chr11-128911642-C-A. GRCh37 (hg19) VCF-style: chr11-128781537-C-A.
Other names: c.369C>A, p.Asp123Glu (NM_001354169.2); short protein forms D123E.
Identifiers: ClinVar variation 4090511 (VCV004090511.1).